The following is an entry in ClinVar:

ClinVar aggregate classification (germline): Likely benign. Review status: criteria provided, multiple submitters, no conflicts (2 of 4 stars). 3 submissions from 3 submitters: Likely benign (3). Last evaluated 2026-09-15.

Conditions:
TTN-related disorder. Also called: TTN-related disorders; TTN-related condition; TTN-related disease.
Dilated cardiomyopathy 1G (CMD1G). Identifiers: Orphanet 154, MedGen C1858763, MONDO:0011400, OMIM 604145.
Autosomal recessive limb-girdle muscular dystrophy type 2J (LGMDR10). Also called: Limb-girdle muscular dystrophy, type 2J; MUSCULAR DYSTROPHY, LIMB-GIRDLE, AUTOSOMAL RECESSIVE 10. Identifiers: Orphanet 140922, MedGen C1837342, MONDO:0012127, OMIM 608807.
Cardiovascular phenotype. Identifiers: MedGen CN230736.

Allele frequency attached by ClinVar (database versions not stated): gnomAD exomes below 0.00001; gnomAD 0.00001; 1000 Genomes Project 30x 0.00016; 1000 Genomes Project 0.00020.
gnomAD v4.1: 5 of 1,613,446 alleles (0.00031%); highest among the groups gnomAD compares: Admixed American, 0.005%; no homozygotes.

Submissions (3):

PreventionGenetics, part of Exact Sciences
Classification: Likely benign for TTN-related condition. Last evaluated: 2026-09-15. Review status: criteria provided, single submitter. Criteria: ACMG Guidelines, 2015. Collection method: clinical testing. Allele origin: germline.
Comment: This variant is classified as likely benign based on ACMG/AMP sequence variant interpretation guidelines (Richards et al. 2015 PMID: 25741868, with internal and published modifications).

Ambry Genetics
Classification: Likely benign for Cardiovascular phenotype. Last evaluated: 2023-10-27. Review status: criteria provided, single submitter. Criteria: Ambry Variant Classification Scheme 2023. Collection method: clinical testing. Allele origin: germline.

Labcorp Genetics (formerly Invitae), Labcorp
Classification: Likely benign for Dilated cardiomyopathy 1G; Autosomal recessive limb-girdle muscular dystrophy type 2J. Last evaluated: 2022-02-24. Review status: criteria provided, single submitter. Criteria: Invitae Variant Classification Sherloc (09022015). Collection method: clinical testing. Allele origin: germline.

NM_001267550.2(TTN):c.85512G>A (p.Glu28504=)

Genes: TTN (titin; minus strand), TTN-AS1 (TTN antisense RNA 1; plus strand). Cytogenetic location: 2q31.2.
Variant type: single nucleotide variant.
Coding change: c.85512G>A on transcript NM_001267550.2 (MANE Select); coding-DNA position 85512, G replaced by A.
Protein change: p.Glu28504=; no amino-acid change (glutamic acid 28504 retained).
Molecular consequence: synonymous variant.
Genome position (GRCh38, 1-based): chr2:178,560,620, C>T on the plus strand (G>A on the coding strand, the complement: TTN is on the minus strand). VCF-style: chr2-178560620-C-T. GRCh37 (hg19) VCF-style: chr2-179425347-C-T.
Other names: c.80589G>A, p.Glu26863= (NM_001256850.1); c.58317G>A, p.Glu19439= (NM_003319.4); c.77808G>A, p.Glu25936= (NM_133378.4); c.58692G>A, p.Glu19564= (NM_133432.3); c.58893G>A, p.Glu19631= (NM_133437.4).
Identifiers: ClinVar variation 738330 (VCV000738330.11), dbSNP rs540398259, ClinGen allele CA60984648.
Genomic context (GRCh38, chr2:178,560,620, plus strand): 5'-TCTAAATATATATTCATTGCCTTTGAGTAACTTGGTTACTTTACAGGATGTCATCTGTAA[C>T]TCTCCTTCACATATTGTCCATGCAAGGTGGCTTGTTTCACGTTTTTCTACGATGTAATAG-3'
Protein context (NP_001254479.2, residues 28494-28514): SHLAWTICEG[Glu28504=]LQMTSCKVTK